The following is an entry in ClinVar:

NM_022168.4(IFIH1):c.2999A>G (p.Tyr1000Cys)

Gene: IFIH1 (interferon induced with helicase C domain 1; minus strand). Cytogenetic location: 2q24.2.
Variant type: single nucleotide variant.
Coding change: c.2999A>G on transcript NM_022168.4 (MANE Select); coding-DNA position 2999, A replaced by G.
Protein change: p.Tyr1000Cys; replaces tyrosine 1000 with cysteine.
Molecular consequence: missense variant.
Genome position (GRCh38, 1-based): chr2:162,267,279, T>C on the plus strand (A>G on the coding strand, the complement: IFIH1 is on the minus strand). VCF-style: chr2-162267279-T-C. GRCh37 (hg19) VCF-style: chr2-163123789-T-C.
Other names: short protein forms Y1000C.
Identifiers: ClinVar variation 4789302 (VCV004789302.1).

ClinVar aggregate classification (germline): Uncertain significance (1 of 4 stars; one submission).

Conditions:
Singleton-Merten syndrome 1 (SGMRT1). Also called: Widened medullary cavities of bone, aortic calcification, abnormal dentition, and muscular weakness; Syndrome of widened medullary cavities of the metacarpals and phalanges, aortic calcification and abnormal dentition. Identifiers: Orphanet 85191, MedGen C4225427, MONDO:0024535, OMIM 182250.
Aicardi-Goutieres syndrome 7 (AGS7). Identifiers: Orphanet 51, MedGen C3888244, MONDO:0014367, OMIM 615846.

gnomAD v4.1: 1 of 1,612,108 alleles (0.000062%); highest among the groups gnomAD compares: Admixed American, 0.0017%; no homozygotes.

Submission:

Labcorp Genetics (formerly Invitae), Labcorp
Classification: Uncertain significance for Aicardi-Goutieres syndrome 7; Singleton-Merten syndrome 1. Last evaluated: 2025-10-11. Review status: criteria provided, single submitter. Criteria: Invitae Variant Classification Sherloc (09022015). Collection method: clinical testing. Allele origin: germline.
Comment: This sequence change replaces tyrosine, which is neutral and polar, with cysteine, which is neutral and slightly polar, at codon 1000 of the IFIH1 protein (p.Tyr1000Cys). This variant is present in population databases (no rsID available, gnomAD 0.003%). This variant has not been reported in the literature in individuals affected with IFIH1-related conditions. Invitae Evidence Modeling of protein sequence and biophysical properties (such as structural, functional, and spatial information, amino acid conservation, physicochemical variation, residue mobility, and thermodynamic stability) has been performed for this missense variant. However, the output from this modeling did not meet the statistical confidence thresholds required to predict the impact of this variant on IFIH1 protein function. In summary, the available evidence is currently insufficient to determine the role of this variant in disease. Therefore, it has been classified as a Variant of Uncertain Significance.